The following is an entry in ClinVar:

ClinVar aggregate classification (germline): Uncertain significance. Review status: criteria provided, multiple submitters, no conflicts (2 of 4 stars). 2 submissions from 2 submitters: Uncertain significance (2). Last evaluated 2026-01-18.

Conditions:
Inborn genetic diseases. Identifiers: MedGen C0950123, MeSH D030342.

gnomAD v4.1: 32 of 1,613,830 alleles (0.002%); highest among the groups gnomAD compares: African/African-American, 0.043%; no homozygotes.

Submissions (2):

GeneDx
Classification: Uncertain significance. Last evaluated: 2026-01-18. Review status: criteria provided, single submitter. Criteria: GeneDx Variant Classification Process June 2021. Collection method: clinical testing. Allele origin: germline.
Comment: In silico analysis suggests that this missense variant does not alter protein structure/function; Has not been previously published as pathogenic or benign to our knowledge; In silico analysis suggests this variant may impact gene splicing. In the absence of RNA/functional studies, the actual effect of this sequence change is unknown.

Ambry Genetics
Classification: Uncertain significance for Inborn genetic diseases. Last evaluated: 2025-04-11. Review status: criteria provided, single submitter. Criteria: Ambry Variant Classification Scheme 2023. Collection method: clinical testing. Allele origin: germline.

NM_001271938.2(MEGF8):c.638G>C (p.Gly213Ala)

Gene: MEGF8 (multiple EGF like domains 8; plus strand). Cytogenetic location: 19q13.2.
Variant type: single nucleotide variant.
Coding change: c.638G>C on transcript NM_001271938.2 (MANE Select); coding-DNA position 638, G replaced by C.
Protein change: p.Gly213Ala; replaces glycine 213 with alanine.
Molecular consequence: missense variant.
Genome position (GRCh38, 1-based): chr19:42,335,114, G>C. VCF-style: chr19-42335114-G-C. GRCh37 (hg19) VCF-style: chr19-42839266-G-C.
Other names: c.638G>C, p.Gly213Ala (NM_001410.3); short protein forms G213A.
Identifiers: ClinVar variation 4053685 (VCV004053685.2).